The following is an entry in ClinVar:

NM_001005361.3(DNM2):c.60C>G (p.Phe20Leu)

Genes: DNM2 (dynamin 2; plus strand), LOC130063529 (ATAC-STARR-seq lymphoblastoid silent region 10090; plus strand). Cytogenetic location: 19p13.2.
Variant type: single nucleotide variant.
Coding change: c.60C>G on transcript NM_001005361.3 (MANE Select); coding-DNA position 60, C replaced by G.
Protein change: p.Phe20Leu; replaces phenylalanine 20 with leucine.
Molecular consequence: missense variant.
Genome position (GRCh38, 1-based): chr19:10,718,302, C>G. VCF-style: chr19-10718302-C-G. GRCh37 (hg19) VCF-style: chr19-10828978-C-G.
Other names: c.60C>G, p.Phe20Leu (NM_001005360.3, NM_001005362.3, NM_001190716.2 and 1 more transcripts); short protein forms F20L.
Identifiers: ClinVar variation 3766387 (VCV003766387.1).
Genomic context (GRCh38, chr19:10,718,302, plus strand): 5'-CATGGGCAACCGCGGGATGGAAGAGCTGATCCCGCTGGTCAACAAACTGCAGGACGCCTT[C>G]AGCTCCATCGGCCAGAGCTGCCACCTGGACCTGCCGCAGATCGCTGTAGTGGGCGGCCAG-3'
Protein context (NP_001005361.1, residues 10-30): IPLVNKLQDA[Phe20Leu]SSIGQSCHLD

ClinVar aggregate classification (germline): Uncertain significance (1 of 4 stars; one submission).

gnomAD v4.1: 1 of 1,508,724 alleles (0.000066%); highest among the groups gnomAD compares: Non-Finnish European, 0.000089%; no homozygotes.

Submission:

GeneDx
Classification: Uncertain significance. Last evaluated: 2024-08-29. Review status: criteria provided, single submitter. Criteria: GeneDx Variant Classification Process June 2021. Collection method: clinical testing. Allele origin: germline. Affected: yes.
Comment: Not observed at significant frequency in large population cohorts (gnomAD); In silico analysis supports that this missense variant has a deleterious effect on protein structure/function; Has not been previously published as pathogenic or benign to our knowledge; This variant is associated with the following publications: (PMID: 16227997)